The following is an entry in ClinVar:

ClinVar aggregate classification (germline): Uncertain significance (1 of 4 stars; one submission).

Allele frequency attached by ClinVar (database versions not stated): gnomAD 0.00001.
gnomAD v4.1: 2 of 1,613,972 alleles (0.00012%); highest among the groups gnomAD compares: Admixed American, 0.0033%; no homozygotes.

Submission:

Labcorp Genetics (formerly Invitae), Labcorp
Classification: Uncertain significance. Last evaluated: 2024-12-03. Review status: criteria provided, single submitter. Criteria: Invitae Variant Classification Sherloc (09022015). Collection method: clinical testing. Allele origin: germline.
Comment: This sequence change replaces alanine, which is neutral and non-polar, with proline, which is neutral and non-polar, at codon 146 of the LAT protein (p.Ala146Pro). This variant is present in population databases (no rsID available, gnomAD 0.003%). This variant has not been reported in the literature in individuals affected with LAT-related conditions. ClinVar contains an entry for this variant (Variation ID: 1954211). An algorithm developed to predict the effect of missense changes on protein structure and function (PolyPhen-2) suggests that this variant is likely to be tolerated. In summary, the available evidence is currently insufficient to determine the role of this variant in disease. Therefore, it has been classified as a Variant of Uncertain Significance.

NM_001014987.2(LAT):c.436G>C (p.Ala146Pro)

Gene: LAT (linker for activation of T cells; plus strand). Cytogenetic location: 16p11.2.
Variant type: single nucleotide variant.
Coding change: c.436G>C on transcript NM_001014987.2 (MANE Select); coding-DNA position 436, G replaced by C.
Protein change: p.Ala146Pro; replaces alanine 146 with proline.
Molecular consequence: missense variant.
Genome position (GRCh38, 1-based): chr16:28,986,836, G>C. VCF-style: chr16-28986836-G-C. GRCh37 (hg19) VCF-style: chr16-28998157-G-C.
Other names: c.433G>C, p.Ala145Pro (NM_001014988.2); c.544G>C, p.Ala182Pro (NM_001014989.2); c.523G>C, p.Ala175Pro (NM_014387.4); short protein forms A175P, A146P, A182P, A145P.
Identifiers: ClinVar variation 1954211 (VCV001954211.5), dbSNP rs1288577152, ClinGen allele CA395442514.